The following is an entry in ClinVar:

NM_005902.4(SMAD3):c.672T>C (p.Val224=)

Gene: SMAD3 (SMAD family member 3; plus strand). Cytogenetic location: 15q22.33.
Variant type: single nucleotide variant.
Coding change: c.672T>C on transcript NM_005902.4 (MANE Select); coding-DNA position 672, T replaced by C.
Protein change: p.Val224=; no amino-acid change (valine 224 retained).
Molecular consequence: synonymous variant.
Genome position (GRCh38, 1-based): chr15:67,181,254, T>C. VCF-style: chr15-67181254-T-C. GRCh37 (hg19) VCF-style: chr15-67473592-T-C.
Other names: c.357T>C, p.Val119= (NM_001145102.2, NM_001407016.1); c.540T>C, p.Val180= (NM_001145103.2, NM_001407012.1); c.87T>C, p.Val29= (NM_001145104.2, NM_001407017.1); c.672T>C, p.Val224= (NM_001407011.1, NM_001407013.1); c.525T>C, p.Val175= (NM_001407014.1); c.225T>C, p.Val75= (NM_001407015.1).
Identifiers: ClinVar variation 1755135 (VCV001755135.5), dbSNP rs1055975793, ClinGen allele CA272385063.

ClinVar aggregate classification (germline): Likely benign. Review status: criteria provided, multiple submitters, no conflicts (2 of 4 stars). 3 submissions from 3 submitters: Likely benign (3). Last evaluated 2024-11-19.

Conditions:
Familial thoracic aortic aneurysm and aortic dissection (TAAD). Also called: Thoracic aortic aneurysms and dissections. Identifiers: Orphanet 91387, MedGen C4707243, MONDO:0019625.
Aneurysm-osteoarthritis syndrome. Also called: SMAD3-Related Loeys-Dietz Syndrome; Loeys-Dietz syndrome, type 1C; LOEYS-DIETZ SYNDROME WITH OSTEOARTHRITIS; ANEURYSMS-OSTEOARTHRITIS SYNDROME. Identifiers: Orphanet 284984, MedGen C3151087, MONDO:0013426, OMIM 613795.

Allele frequency attached by ClinVar (database versions not stated): gnomAD exomes below 0.00001; TOPMed 0.00002.
gnomAD v4.1: 1 of 1,612,848 alleles (0.000062%); highest among the groups gnomAD compares: African/African-American, 0.0013%; no homozygotes.

Submissions (3):

Labcorp Genetics (formerly Invitae), Labcorp
Classification: Likely benign for Familial thoracic aortic aneurysm and aortic dissection. Last evaluated: 2024-11-19. Review status: criteria provided, single submitter. Criteria: Invitae Variant Classification Sherloc (09022015). Collection method: clinical testing. Allele origin: germline.

All of Us Research Program, National Institutes of Health
Classification: Likely benign for Aneurysm-osteoarthritis syndrome. Last evaluated: 2023-09-17. Review status: criteria provided, single submitter. Criteria: ACMG Guidelines, 2015. Collection method: clinical testing. Allele origin: germline. Inheritance: Autosomal dominant inheritance. Observed: 1 variant allele, 1 heterozygote.
Comment: This study involves interpretation of variants in research participants for the purpose of population health screening. Participant phenotype was not available at the time of variant classification. Additional details can be found in publication PMID: 35346344, PMCID: PMC8962531

Ambry Genetics
Classification: Likely benign for Familial thoracic aortic aneurysm and aortic dissection. Last evaluated: 2022-09-19. Review status: criteria provided, single submitter. Criteria: Ambry Variant Classification Scheme 2023. Collection method: clinical testing. Allele origin: germline.